The following is an entry in ClinVar:

NM_001366722.1(GRIP1):c.107C>T (p.Ala36Val)

Gene: GRIP1 (glutamate receptor interacting protein 1; minus strand). Cytogenetic location: 12q14.3.
Variant type: single nucleotide variant.
Coding change: c.107C>T on transcript NM_001366722.1 (MANE Select); coding-DNA position 107, C replaced by T.
Protein change: p.Ala36Val; replaces alanine 36 with valine.
Molecular consequence: missense variant.
Genome position (GRCh38, 1-based): chr12:66,596,876, G>A on the plus strand (C>T on the coding strand, the complement: GRIP1 is on the minus strand). VCF-style: chr12-66596876-G-A. GRCh37 (hg19) VCF-style: chr12-66990656-G-A.
Other names: c.107C>T, p.Ala36Val (NM_001178074.2, NM_001379346.1, NM_021150.4); c.185C>T, p.Ala62Val (NM_001366723.1, NM_001366724.1, NM_001379345.1 and 2 more transcripts); c.110C>T, p.Ala37Val (NM_001379349.1, NM_001379351.1); short protein forms A37V, A62V, A36V.
Identifiers: ClinVar variation 2200868 (VCV002200868.2), dbSNP rs746032734, ClinGen allele CA6674745.
Genomic context (GRCh38, chr12:66,596,876, plus strand): 5'-ACAGCTGAAAAATCCAACAGTCTGGTCTAACCTGGGATGCTCTGTCTCCTCACAGCCAAC[G>A]CTCCATCAGGCGGCTTTGTCTGGCTGGCGGATTTAGTGTAGGGACTCTCATCTGCAAAGG-3'
Protein context (NP_001353651.1, residues 26-46): SASQTKPPDG[Ala36Val]LAVRRQSIPE

ClinVar aggregate classification (germline): Uncertain significance. Review status: criteria provided, multiple submitters, no conflicts (2 of 4 stars). 2 submissions from 2 submitters: Uncertain significance (2). Last evaluated 2024-03-20.

Conditions:
Fraser syndrome 3. Identifiers: MedGen C4540040, MONDO:0054739, OMIM 617667.

Allele frequency attached by ClinVar (database versions not stated): gnomAD 0.00005; ExAC 0.00009; TOPMed 0.00019.
gnomAD v4.1: 96 of 1,613,114 alleles (0.006%); highest among the groups gnomAD compares: Admixed American, 0.025%; no homozygotes.

Submissions (2):

Fulgent Genetics
Classification: Uncertain significance for Fraser syndrome 3. Last evaluated: 2024-03-20. Review status: criteria provided, single submitter. Criteria: ACMG Guidelines, 2015. Collection method: clinical testing. Allele origin: germline.

Labcorp Genetics (formerly Invitae), Labcorp
Classification: Uncertain significance. Last evaluated: 2022-09-01. Review status: criteria provided, single submitter. Criteria: Invitae Variant Classification Sherloc (09022015). Collection method: clinical testing. Allele origin: germline.
Comment: This sequence change replaces alanine, which is neutral and non-polar, with valine, which is neutral and non-polar, at codon 36 of the GRIP1 protein (p.Ala36Val). This variant is present in population databases (rs746032734, gnomAD 0.1%). This variant has not been reported in the literature in individuals affected with GRIP1-related conditions. Algorithms developed to predict the effect of missense changes on protein structure and function (SIFT, PolyPhen-2, Align-GVGD) all suggest that this variant is likely to be tolerated. In summary, the available evidence is currently insufficient to determine the role of this variant in disease. Therefore, it has been classified as a Variant of Uncertain Significance.